The following is an entry in ClinVar:

NM_003265.3(TLR3):c.2584C>T (p.His862Tyr)

Gene: TLR3 (toll like receptor 3; plus strand). Cytogenetic location: 4q35.1.
Variant type: single nucleotide variant.
Coding change: c.2584C>T on transcript NM_003265.3 (MANE Select); coding-DNA position 2584, C replaced by T.
Protein change: p.His862Tyr; replaces histidine 862 with tyrosine.
Molecular consequence: missense variant.
Genome position (GRCh38, 1-based): chr4:186,084,742, C>T. VCF-style: chr4-186084742-C-T. GRCh37 (hg19) VCF-style: chr4-187005896-C-T.
Other names: short protein forms H862Y.
Identifiers: ClinVar variation 4739604 (VCV004739604.1).

ClinVar aggregate classification (germline): Uncertain significance (1 of 4 stars; one submission).

Conditions:
Encephalopathy, acute, infection-induced (herpes-specific), susceptibility to, 1. Also called: Herpes simplex encephalitis, susceptibility to, 1. Identifiers: Orphanet 1930, MedGen C2750180, MONDO:0024563, OMIM 610551.

gnomAD v4.1: 10 of 1,613,798 alleles (0.00062%); highest among the groups gnomAD compares: Non-Finnish European, 0.00025%; no homozygotes.

Submission:

Labcorp Genetics (formerly Invitae), Labcorp
Classification: Uncertain significance for Encephalopathy, acute, infection-induced (herpes-specific), susceptibility to, 1. Last evaluated: 2025-12-24. Review status: criteria provided, single submitter. Criteria: Invitae Variant Classification Sherloc (09022015). Collection method: clinical testing. Allele origin: germline.
Comment: This sequence change replaces histidine, which is basic and polar, with tyrosine, which is neutral and polar, at codon 862 of the TLR3 protein (p.His862Tyr). This variant is present in population databases (rs781382825, gnomAD 0.01%). This variant has not been reported in the literature in individuals affected with TLR3-related conditions. An algorithm developed to predict the effect of missense changes on protein structure and function (PolyPhen-2) suggests that this variant is likely to be disruptive. In summary, the available evidence is currently insufficient to determine the role of this variant in disease. Therefore, it has been classified as a Variant of Uncertain Significance.